The following is an entry in ClinVar:

NM_001572.5(IRF7):c.847+28T>C

Gene: IRF7 (interferon regulatory factor 7; minus strand). Cytogenetic location: 11p15.5.
Variant type: single nucleotide variant.
Coding change: c.847+28T>C on transcript NM_001572.5 (MANE Select); 28 bases into the intron after coding-DNA position 847, T replaced by C.
Molecular consequence: intron variant.
Genome position (GRCh38, 1-based): chr11:613,757, A>G on the plus strand (T>C on the coding strand, the complement: IRF7 is on the minus strand). VCF-style: chr11-613757-A-G. GRCh37 (hg19) VCF-style: chr11-613757-A-G.
Other names: c.760+28T>C (NM_004029.4); c.886+28T>C (NM_004031.4).
Identifiers: ClinVar variation 2688091 (VCV002688091.2), dbSNP rs59115876, ClinGen allele CA5783702.

ClinVar aggregate classification (germline): Benign (1 of 4 stars; one submission).

Allele frequency attached by ClinVar (database versions not stated): gnomAD exomes 0.21968; 1000 Genomes Project 0.27596; gnomAD 0.30845; TOPMed 0.34509; ExAC 0.36568; ESP Exome Variant Server 0.38269.
gnomAD v4.1: 287,521 of 1,249,156 alleles (23%); highest among the groups gnomAD compares: African/African-American, 51%; 49,354 homozygotes.

Submission:

Unidad de Genómica Garrahan, Hospital de Pediatría Garrahan
Classification: Benign. Last evaluated: 2024-01-24. Review status: criteria provided, single submitter. Criteria: ACMG Guidelines, 2015. Collection method: clinical testing. Allele origin: germline. Affected: no. Observed: 52 variant alleles.
Comment: This variant is classified as Benign based on local population frequency. This variant was detected in 55% of patients studied by a panel of primary immunodeficiencies. Number of patients: 52. Only high quality variants are reported.